The following is an entry in ClinVar:

ClinVar aggregate classification (germline): Pathogenic (1 of 4 stars; one submission).

Conditions:
Hereditary diffuse gastric adenocarcinoma (HDGC). Also called: DIFFUSE GASTRIC AND LOBULAR BREAST CANCER SYNDROME. Identifiers: Orphanet 26106, MedGen C1708349, MONDO:0007648, OMIM 137215.

Submission:

Myriad Genetics, Inc.
Classification: Pathogenic for Hereditary diffuse gastric adenocarcinoma. Last evaluated: 2023-06-13. Review status: criteria provided, single submitter. Criteria: Myriad Autosomal Dominant, Autosomal Recessive and X-Linked Classification Criteria (2023). Collection method: clinical testing. Allele origin: unknown.
Comment: This variant is considered pathogenic. This variant creates a frameshift predicted to result in premature protein truncation.

NM_004360.5(CDH1):c.1301del (p.Gly434fs)

Gene: CDH1 (cadherin 1; plus strand). Cytogenetic location: 16q22.1.
Variant type: Deletion.
Coding change: c.1301del on transcript NM_004360.5 (MANE Select); coding-DNA position 1301, one base deleted (G; older notation c.1301delG).
Protein change: p.Gly434fs; shifts the reading frame from glycine 434.
Molecular consequence: frameshift variant. On other transcripts: intron variant (1), 5 prime UTR variant (2).
Genome position (GRCh38, 1-based): chr16:68,813,476, G deleted; the last of 2 consecutive G bases (chr16:68,813,475-68,813,476); deleting either gives the same sequence. VCF-style (leftmost placement, unchanged base first): chr16-68813474-TG-T. GRCh37 (hg19) VCF-style: chr16-68847377-TG-T.
Other names: c.1137+1213del (NM_001317184.2); c.-315del (NM_001317185.2); c.-519del (NM_001317186.2); short protein forms G434fs.
Identifiers: ClinVar variation 2584172 (VCV002584172.2), dbSNP rs2543927190, ClinGen allele CA2582342588.